The following is an entry in ClinVar:

ClinVar aggregate classification (germline): Conflicting classifications of pathogenicity. Review status: criteria provided, conflicting classifications (1 of 4 stars). 2 submissions from 2 submitters: Likely pathogenic (1); Uncertain significance (1). Last evaluated 2026-04-13.

Conditions:
DDX53-related autism spectrum disorder.

Submissions (2):

Undiagnosed Diseases Network, NIH
Classification: Likely pathogenic for DDX53-related autism spectrum disorder. Last evaluated: 2026-04-13. Review status: criteria provided, single submitter. Criteria: ACMG Guidelines, 2015. Collection method: clinical testing. Allele origin: maternal. Affected: yes. Observed: 2 variant alleles, 1 heterozygote, 1 hemizygote. Study: Undiagnosed Diseases Network (NIH), UDN.

Revvity Omics, Revvity
Classification: Uncertain significance. Last evaluated: 2025-08-01. Review status: criteria provided, single submitter. Criteria: ACMG Guidelines, 2015. Collection method: clinical testing. Allele origin: germline.

Literature cited by the submitters: PubMed 39706195 (cited by Undiagnosed Diseases Network, NIH).

NM_182699.4(DDX53):c.259G>T (p.Gly87Trp)

Genes: DDX53 (DEAD-box helicase 53; plus strand), PTCHD1-AS (PTCHD1 and PHEX antisense RNA; minus strand). Cytogenetic location: Xp22.11.
Variant type: single nucleotide variant.
Coding change: c.259G>T on transcript NM_182699.4 (MANE Select); coding-DNA position 259, G replaced by T.
Protein change: p.Gly87Trp; replaces glycine 87 with tryptophan.
Molecular consequence: missense variant.
Genome position (GRCh38, 1-based): chrX:23,000,316, G>T. VCF-style: chrX-23000316-G-T. GRCh37 (hg19) VCF-style: chrX-23018433-G-T.
Other names: short protein forms G87W.
Identifiers: ClinVar variation 2688921 (VCV002688921.3), dbSNP rs1933787800, ClinGen allele CA412581738.